The following is an entry in ClinVar:

ClinVar aggregate classification (germline): Likely benign (1 of 4 stars; one submission).

Submission:

Women's Health and Genetics/Laboratory Corporation of America, LabCorp
Classification: Likely benign. Last evaluated: 2024-12-23. Review status: criteria provided, single submitter. Criteria: LabCorp Variant Classification Summary - May 2015. Collection method: clinical testing. Allele origin: germline.
Comment: Variant summary: STXBP2 c.1696+20_1696+27delACCCTGGG alters a nucleotide located at a position not widely known to affect splicing. Consensus agreement among computation tools predict no significant impact on normal splicing. However, these predictions have yet to be confirmed by functional studies. The variant allele was found at a frequency of 5e-06 in 201174 control chromosomes. The available data on variant occurrences in the general population are insufficient to allow any conclusion about variant significance. To our knowledge, no occurrence of c.1696+20_1696+27delACCCTGGG in individuals affected with Familial Hemophagocytic Lymphohistiocytosis and no experimental evidence demonstrating its impact on protein function have been reported. No submitters have cited clinical-significance assessments for this variant to ClinVar. Based on the evidence outlined above, the variant was classified as likely benign.

NM_006949.4(STXBP2):c.1696+20_1696+27del

Gene: STXBP2 (syntaxin binding protein 2; plus strand). Cytogenetic location: 19p13.2.
Variant type: Deletion.
Coding change: c.1696+20_1696+27del on transcript NM_006949.4 (MANE Select); bases 20 to 27 of the intron after coding-DNA position 1696, 8 bases deleted (ACCCTGGG; older notation c.1696+20_1696+27delACCCTGGG).
Molecular consequence: intron variant.
Genome position (GRCh38, 1-based): chr19:7,647,531-7,647,538, ACCCTGGG deleted; deleting any 8 consecutive bases within chr19:7,647,526-7,647,538 gives the same sequence; the c. name uses the placement nearest the transcript's 3' end. VCF-style (leftmost placement, unchanged base first): chr19-7647525-ACTGGGACC-A. GRCh37 (hg19) VCF-style: chr19-7712411-ACTGGGACC-A.
Other names: c.1600+20_1600+27del (NM_001414484.1); c.1729+20_1729+27del (NM_001272034.2); c.1687+20_1687+27del (NM_001127396.3); c.1696+20_1696+27delACCCTGGG (NM_006949.4).
Identifiers: ClinVar variation 3768475 (VCV003768475.1).